The following is an entry in ClinVar:

NM_025000.4(DCAF17):c.869C>G (p.Ser290Cys)

Gene: DCAF17 (DDB1 and CUL4 associated factor 17; plus strand). Cytogenetic location: 2q31.1.
Variant type: single nucleotide variant.
Coding change: c.869C>G on transcript NM_025000.4 (MANE Select); coding-DNA position 869, C replaced by G.
Protein change: p.Ser290Cys; replaces serine 290 with cysteine.
Molecular consequence: missense variant. On other transcripts: non-coding transcript variant (1).
Genome position (GRCh38, 1-based): chr2:171,468,918, C>G. VCF-style: chr2-171468918-C-G. GRCh37 (hg19) VCF-style: chr2-172325428-C-G.
Other names: c.869C>G, p.Ser290Cys (NM_001164821.2); short protein forms S290C.
Identifiers: ClinVar variation 1363246 (VCV001363246.5), dbSNP rs375662120, ClinGen allele CA1964820.

ClinVar aggregate classification (germline): Uncertain significance (1 of 4 stars; one submission).

Conditions:
Woodhouse-Sakati syndrome. Also called: Hypogonadism, Alopecia, Diabetes Mellitus, Mental Retardation, and Extrapyramidal Syndrome; EXTRAPYRAMIDAL DISORDER, PROGRESSIVE, WITH PRIMARY HYPOGONADISM, MENTAL RETARDATION, AND ALOPECIA; Hypogonadism, diabetes mellitus, alopecia, mental retardation and electrocardiographic abnormalities. Identifiers: Orphanet 3464, MedGen C0342286, MONDO:0009419, OMIM 241080.

Allele frequency attached by ClinVar (database versions not stated): gnomAD exomes 0.00004 and 0.00007; ESP Exome Variant Server 0.00008; ExAC 0.00012; gnomAD 0.00017 and 0.00021.
gnomAD v4.1: 83 of 1,613,974 alleles (0.0051%); highest among the groups gnomAD compares: Non-Finnish European, 0.0048%; 1 homozygote.

Submission:

Labcorp Genetics (formerly Invitae), Labcorp
Classification: Uncertain significance for Woodhouse-Sakati syndrome. Last evaluated: 2021-09-24. Review status: criteria provided, single submitter. Criteria: Invitae Variant Classification Sherloc (09022015). Collection method: clinical testing. Allele origin: germline.
Comment: This sequence change replaces serine with cysteine at codon 290 of the DCAF17 protein (p.Ser290Cys). The serine residue is highly conserved and there is a moderate physicochemical difference between serine and cysteine. This variant is present in population databases (rs375662120, ExAC 0.05%). This variant has not been reported in the literature in individuals with DCAF17-related conditions. Algorithms developed to predict the effect of missense changes on protein structure and function (SIFT, PolyPhen-2, Align-GVGD) all suggest that this variant is likely to be tolerated, but these predictions have not been confirmed by published functional studies and their clinical significance is uncertain. In summary, the available evidence is currently insufficient to determine the role of this variant in disease. Therefore, it has been classified as a Variant of Uncertain Significance.